The following is an entry in ClinVar:

NM_001199138.2(NLRC4):c.59T>C (p.Ile20Thr)

Gene: NLRC4 (NLR family CARD domain containing 4; minus strand). Cytogenetic location: 2p22.3.
Variant type: single nucleotide variant.
Coding change: c.59T>C on transcript NM_001199138.2 (MANE Select); coding-DNA position 59, T replaced by C.
Protein change: p.Ile20Thr; replaces isoleucine 20 with threonine.
Molecular consequence: missense variant.
Genome position (GRCh38, 1-based): chr2:32,252,622, A>G on the plus strand (T>C on the coding strand, the complement: NLRC4 is on the minus strand). VCF-style: chr2-32252622-A-G. GRCh37 (hg19) VCF-style: chr2-32477691-A-G.
Other names: c.59T>C, p.Ile20Thr (NM_001199139.2, NM_001302504.2, NM_021209.5); short protein forms I20T.
Identifiers: ClinVar variation 855535 (VCV000855535.7), dbSNP rs1294896426, ClinGen allele CA346517088.

ClinVar aggregate classification (germline): Uncertain significance (1 of 4 stars; one submission).

Conditions:
Periodic fever-infantile enterocolitis-autoinflammatory syndrome. Also called: Autoinflammation with infantile enterocolitis. Identifiers: Orphanet 436166, MedGen C4015067, MONDO:0014472, OMIM 616050.
Familial cold autoinflammatory syndrome 4 (FCAS4). Identifiers: Orphanet 47045, Orphanet 576349, MedGen C4015276, MONDO:0014498, OMIM 616115.

Allele frequency attached by ClinVar (database versions not stated): gnomAD 0.00001; gnomAD exomes 0.00001; TOPMed 0.00001.

Submission:

Labcorp Genetics (formerly Invitae), Labcorp
Classification: Uncertain significance for Periodic fever-infantile enterocolitis-autoinflammatory syndrome; Familial cold autoinflammatory syndrome 4. Last evaluated: 2022-07-25. Review status: criteria provided, single submitter. Criteria: Invitae Variant Classification Sherloc (09022015). Collection method: clinical testing. Allele origin: germline.
Comment: This sequence change replaces isoleucine, which is neutral and non-polar, with threonine, which is neutral and polar, at codon 20 of the NLRC4 protein (p.Ile20Thr). This variant is present in population databases (no rsID available, gnomAD 0.006%). This variant has not been reported in the literature in individuals affected with NLRC4-related conditions. ClinVar contains an entry for this variant (Variation ID: 855535). Algorithms developed to predict the effect of missense changes on protein structure and function output the following: SIFT: "Tolerated"; PolyPhen-2: "Benign"; Align-GVGD: "Class C0". The threonine amino acid residue is found in multiple mammalian species, which suggests that this missense change does not adversely affect protein function. In summary, the available evidence is currently insufficient to determine the role of this variant in disease. Therefore, it has been classified as a Variant of Uncertain Significance.